The following is an entry in ClinVar:

NM_004370.6(COL12A1):c.8926C>T (p.Pro2976Ser)

Gene: COL12A1 (collagen type XII alpha 1 chain; minus strand). Cytogenetic location: 6q13.
Variant type: single nucleotide variant.
Coding change: c.8926C>T on transcript NM_004370.6 (MANE Select); coding-DNA position 8926, C replaced by T.
Protein change: p.Pro2976Ser; replaces proline 2976 with serine.
Molecular consequence: missense variant.
Genome position (GRCh38, 1-based): chr6:75,090,125, G>A on the plus strand (C>T on the coding strand, the complement: COL12A1 is on the minus strand). VCF-style: chr6-75090125-G-A. GRCh37 (hg19) VCF-style: chr6-75799841-G-A.
Other names: c.8926C>T, p.Pro2976Ser (NM_001424113.1); c.8905C>T, p.Pro2969Ser (NM_001424114.1); c.8653C>T, p.Pro2885Ser (NM_001424115.1); c.5434C>T, p.Pro1812Ser (NM_001424116.1, NM_080645.3); short protein forms P1812S, P2885S, P2969S, P2976S.
Identifiers: ClinVar variation 3758137 (VCV003758137.2).
Genomic context (GRCh38, chr6:75,090,125, plus strand): 5'-GCAAATTCCTTCCTTTATCCCAATACAGAAGCCAGAAATGCCTACCTCGTTCCCCAGGGG[G>A]TCCCTGCATCCCTGGTGTGCCCGGGAAGCCTGGCCGCCCCCCAGGCCCAGGTTCTCCTCT-3'
Protein context (NP_004361.3, residues 2966-2986): GFPGTPGMQG[Pro2976Ser]PGERGLPGEK

ClinVar aggregate classification (germline): Uncertain significance (1 of 4 stars; one submission).

Conditions:
Ullrich congenital muscular dystrophy 2 (UCMD2). Identifiers: Orphanet 75840, MedGen C4225314, MONDO:0014654, OMIM 616470.
Bethlem myopathy 2 (BTHLM2). Identifiers: Orphanet 536516, Orphanet 610, MedGen C4225313, MONDO:0034022, OMIM 616471.

gnomAD v4.1: 5 of 1,613,256 alleles (0.00031%); highest among the groups gnomAD compares: Non-Finnish European, 0.00042%; no homozygotes.

Submission:

Labcorp Genetics (formerly Invitae), Labcorp
Classification: Uncertain significance for Bethlem myopathy 2; Ullrich congenital muscular dystrophy 2. Last evaluated: 2024-05-09. Review status: criteria provided, single submitter. Criteria: Invitae Variant Classification Sherloc (09022015). Collection method: clinical testing. Allele origin: germline.
Comment: This sequence change replaces proline, which is neutral and non-polar, with serine, which is neutral and polar, at codon 2976 of the COL12A1 protein (p.Pro2976Ser). This variant is not present in population databases (gnomAD no frequency). This variant has not been reported in the literature in individuals affected with COL12A1-related conditions. An algorithm developed to predict the effect of missense changes on protein structure and function (PolyPhen-2) suggests that this variant is likely to be tolerated. In summary, the available evidence is currently insufficient to determine the role of this variant in disease. Therefore, it has been classified as a Variant of Uncertain Significance.